The following is an entry in ClinVar:

ClinVar aggregate classification (germline): Uncertain significance. Review status: criteria provided, multiple submitters, no conflicts (2 of 4 stars). 3 submissions from 3 submitters: Uncertain significance (3). Last evaluated 2025-02-24.

Conditions:
COL7A1-related disorder. Also called: COL7A1- related disorders; COL7A1-related condition.
Epidermolysis bullosa dystrophica. Also called: Dystrophic epidermolysis bullosa; Dystrophic epidermolysis bullosa, Hallopeau-Siemens type (formerly). Identifiers: Orphanet 303, MedGen C0079294, MONDO:0006543.

Allele frequency attached by ClinVar (database versions not stated): TOPMed 0.00002; gnomAD 0.00003.
gnomAD v4.1: 14 of 1,613,844 alleles (0.00087%); highest among the groups gnomAD compares: Admixed American, 0.0083%; no homozygotes.

Submissions (3):

PreventionGenetics, part of Exact Sciences
Classification: Uncertain significance for COL7A1-related condition. Last evaluated: 2025-02-24. Review status: criteria provided, single submitter. Criteria: ACMG Guidelines, 2015. Collection method: clinical testing. Allele origin: germline.
Comment: The COL7A1 c.8054G>C variant is predicted to result in the amino acid substitution p.Arg2685Pro. This variant has been reported in the compound heterozygous state in an individual with epidermolysis bullosa (RDEB) (Di Zenzo et al. 2022. PubMed ID: 35967298). This variant is reported in 0.0065% of alleles in individuals of European (Non-Finnish) descent in gnomAD. Although we suspect that this variant may be pathogenic, at this time, the clinical significance of this variant is uncertain due to the absence of conclusive functional and genetic evidence.

Labcorp Genetics (formerly Invitae), Labcorp
Classification: Uncertain significance. Last evaluated: 2024-08-28. Review status: criteria provided, single submitter. Criteria: Invitae Variant Classification Sherloc (09022015). Collection method: clinical testing. Allele origin: germline.
Comment: This sequence change replaces arginine, which is basic and polar, with proline, which is neutral and non-polar, at codon 2685 of the COL7A1 protein (p.Arg2685Pro). This variant is present in population databases (no rsID available, gnomAD 0.007%). This missense change has been observed in individual(s) with autosomal recessive epidermolysis bullosa dystrophica (internal data). ClinVar contains an entry for this variant (Variation ID: 345800). Invitae Evidence Modeling of protein sequence and biophysical properties (such as structural, functional, and spatial information, amino acid conservation, physicochemical variation, residue mobility, and thermodynamic stability) has been performed for this missense variant. However, the output from this modeling did not meet the statistical confidence thresholds required to predict the impact of this variant on COL7A1 protein function. In summary, the available evidence is currently insufficient to determine the role of this variant in disease. Therefore, it has been classified as a Variant of Uncertain Significance.

Illumina Laboratory Services, Illumina
Classification: Uncertain significance for Dystrophic epidermolysis bullosa. Last evaluated: 2018-01-12. Review status: criteria provided, single submitter. Criteria: ICSL Variant Classification Criteria 13 December 2019. Collection method: clinical testing. Allele origin: germline.

NM_000094.4(COL7A1):c.8054G>C (p.Arg2685Pro)

Gene: COL7A1 (collagen type VII alpha 1 chain; minus strand). Cytogenetic location: 3p21.31.
Variant type: single nucleotide variant.
Coding change: c.8054G>C on transcript NM_000094.4 (MANE Select); coding-DNA position 8054, G replaced by C.
Protein change: p.Arg2685Pro; replaces arginine 2685 with proline.
Molecular consequence: missense variant.
Genome position (GRCh38, 1-based): chr3:48,567,183, C>G on the plus strand (G>C on the coding strand, the complement: COL7A1 is on the minus strand). VCF-style: chr3-48567183-C-G. GRCh37 (hg19) VCF-style: chr3-48604616-C-G.
Other names: short protein forms R2685P.
Identifiers: ClinVar variation 345800 (VCV000345800.9), dbSNP rs886058630, ClinGen allele CA10618956.